The following is an entry in ClinVar:

NM_002972.4(SBF1):c.2605G>A (p.Val869Met)

Gene: SBF1 (SET binding factor 1; minus strand). Cytogenetic location: 22q13.33.
Variant type: single nucleotide variant.
Coding change: c.2605G>A on transcript NM_002972.4 (MANE Select); coding-DNA position 2605, G replaced by A.
Protein change: p.Val869Met; replaces valine 869 with methionine.
Molecular consequence: missense variant.
Genome position (GRCh38, 1-based): chr22:50,461,834, C>T on the plus strand (G>A on the coding strand, the complement: SBF1 is on the minus strand). VCF-style: chr22-50461834-C-T. GRCh37 (hg19) VCF-style: chr22-50900263-C-T.
Other names: c.2605G>A (NM_002972.2, NM_002972.3); c.2608G>A, p.Val870Met (NM_001365819.1); short protein forms V869M, V870M.
Identifiers: ClinVar variation 374671 (VCV000374671.50), dbSNP rs200365973, ClinGen allele CA10317144.
Genomic context (GRCh38, chr22:50,461,834, plus strand): 5'-AGCCCCAACGGCCCCCGCAAACCTTCTGGATGGGCGGCAGCCTCCGGCTCTCCCGCTGCA[C>T]GGCCTCCAGGGTCTCGATGTGCATCTGGACAATGTCTGGGGGAAGACAGTTCTCACACTT-3'
Protein context (NP_002963.2, residues 859-879): VQMHIETLEA[Val869Met]QRESRRLPPI

ClinVar aggregate classification (germline): Conflicting classifications of pathogenicity. Review status: criteria provided, conflicting classifications (1 of 4 stars). 8 submissions from 8 submitters: Uncertain significance (7); Benign (1). Last evaluated 2025-06-24.

Conditions:
Charcot-Marie-Tooth disease type 4B3. Also called: Charcot-Marie-Tooth Neuropathy Type 4B3; CHARCOT-MARIE-TOOTH DISEASE, DEMYELINATING, TYPE 4B3. Identifiers: Orphanet 363981, MedGen C3695063, MONDO:0014117, OMIM 615284.
Tip-toe gait. Also called: Toe walking. Identifiers: MedGen C0427144, HP:0030051.

Allele frequency attached by ClinVar (database versions not stated): ExAC 0.00020; TOPMed 0.00033; gnomAD exomes 0.00042 and 0.00023; ESP Exome Variant Server 0.00024; gnomAD 0.00033.
gnomAD v4.1: 655 of 1,613,660 alleles (0.041%); highest among the groups gnomAD compares: Non-Finnish European, 0.053%; no homozygotes.

Submissions (8):

GeneDx
Classification: Uncertain significance. Last evaluated: 2025-06-24. Review status: criteria provided, single submitter. Criteria: GeneDx Variant Classification Process June 2021. Collection method: clinical testing. Allele origin: germline. Affected: yes.
Comment: In silico analysis supports that this missense variant has a deleterious effect on protein structure/function; Has not been previously published as pathogenic or benign to our knowledge

CeGaT Center for Human Genetics Tuebingen
Classification: Uncertain significance. Last evaluated: 2025-06-01. Review status: criteria provided, single submitter. Criteria: CeGaT Center For Human Genetics Tuebingen Variant Classification Criteria Version 2. Collection method: clinical testing. Allele origin: germline. Affected: yes. Observed: 3 variant alleles.
Comment: SBF1: PM2, PP3

ARUP Laboratories, Molecular Genetics and Genomics, ARUP Laboratories
Classification: Uncertain significance for Charcot-Marie-Tooth disease type 4B3. Last evaluated: 2025-03-13. Review status: criteria provided, single submitter. Criteria: ARUP Molecular Germline Variant Investigation Process 2024. Collection method: clinical testing. Allele origin: germline.
Comment: The SBF1 c.2605G>A; p.Val869Met variant (rs200365973), to our knowledge, is not reported in the medical literature but is reported in ClinVar (Variation ID: 374671). This variant is found in the non-Finnish European population with an allele frequency of 0.045% (58/128,180 alleles) in the Genome Aggregation Database (v2.1.1). Computational analyses are uncertain whether this variant is neutral or deleterious (REVEL: 0.576). Due to limited information, the clinical significance of this variant is uncertain at this time.

Practice for Gait Abnormalities, David Pomarino, Competency Network Toe Walking C/o Practice Pomarino
Classification: Benign for Tip-toe gait. Last evaluated: 2024-11-07. Review status: criteria provided, single submitter. Criteria: Pomarino et al. (Glob Med Genet. 2026). Collection method: clinical testing. Allele origin: germline. Affected: yes.

Labcorp Genetics (formerly Invitae), Labcorp
Classification: Uncertain significance. Last evaluated: 2022-10-20. Review status: criteria provided, single submitter. Criteria: Invitae Variant Classification Sherloc (09022015). Collection method: clinical testing. Allele origin: germline.
Comment: This sequence change replaces valine, which is neutral and non-polar, with methionine, which is neutral and non-polar, at codon 869 of the SBF1 protein (p.Val869Met). This variant is present in population databases (rs200365973, gnomAD 0.04%). This variant has not been reported in the literature in individuals affected with SBF1-related conditions. ClinVar contains an entry for this variant (Variation ID: 374671). Advanced modeling of protein sequence and biophysical properties (such as structural, functional, and spatial information, amino acid conservation, physicochemical variation, residue mobility, and thermodynamic stability) performed at Invitae indicates that this missense variant is expected to disrupt SBF1 protein function. In summary, the available evidence is currently insufficient to determine the role of this variant in disease. Therefore, it has been classified as a Variant of Uncertain Significance.

Ambry Genetics
Classification: Uncertain significance. Last evaluated: 2021-07-15. Review status: criteria provided, single submitter. Criteria: Ambry Variant Classification Scheme 2023. Collection method: clinical testing. Allele origin: germline.

Fulgent Genetics
Classification: Uncertain significance for Charcot-Marie-Tooth disease type 4B3. Last evaluated: 2018-10-31. Review status: criteria provided, single submitter. Criteria: ACMG Guidelines, 2015. Collection method: clinical testing. Allele origin: unknown.

Breakthrough Genomics
Classification: Uncertain significance. Review status: criteria provided, single submitter. Criteria: ACMG Guidelines, 2015. Collection method: not provided. Allele origin: germline. Inheritance: Autosomal dominant inheritance. Affected: yes.